The following is an entry in ClinVar:

NM_018451.5(CPAP):c.3478-252A>C

Genes: CPAP (centrosome assembly and centriole elongation protein; minus strand), RNF17 (ring finger protein 17; plus strand). Cytogenetic location: 13q12.12.
Variant type: single nucleotide variant.
Coding change: c.3478-252A>C on transcript NM_018451.5 (MANE Select); 252 bases into the intron before coding-DNA position 3478, A replaced by C.
Molecular consequence: intron variant.
Genome position (GRCh38, 1-based): chr13:24,884,715, T>G on the plus strand (A>C on the coding strand, the complement: CPAP is on the minus strand). VCF-style: chr13-24884715-T-G. GRCh37 (hg19) VCF-style: chr13-25458853-T-G.
Identifiers: ClinVar variation 668064 (VCV000668064.1), dbSNP rs7995027, ClinGen allele CA247065512.
Genomic context (GRCh38, chr13:24,884,715, plus strand): 5'-TGGAATTTACCTAAAAAAGAAAACCTTCCCTTATCAACAATTTGTTACCCTAAAGTAGAC[T>G]TTGTACAGGAAAGTCTAACTACTGCTTTGCCTGTTGTTCTTTGTCCTTCTCTCATTCCTC-3'

ClinVar aggregate classification (germline): Benign (1 of 4 stars; one submission).

Allele frequency attached by ClinVar (database versions not stated): 1000 Genomes Project 0.99002; TOPMed 0.98856; 1000 Genomes Project 30x 0.98923.
gnomAD v4.1: 150,871 of 152,334 alleles (99%); highest among the groups gnomAD compares: Middle Eastern, 100%; 74,728 homozygotes.

Submission:

GeneDx
Classification: Benign. Last evaluated: 2018-06-16. Review status: criteria provided, single submitter. Criteria: GeneDx Variant Classification (06012015). Collection method: clinical testing. Allele origin: germline. Affected: yes.
Comment: This variant is considered likely benign or benign based on one or more of the following criteria: it is a conservative change, it occurs at a poorly conserved position in the protein, it is predicted to be benign by multiple in silico algorithms, and/or has population frequency not consistent with disease.